The following is an entry in ClinVar:

NM_006494.4(ERF):c.501ATCTTC[1] (p.Ser170_Ser171del)

Gene: ERF (ETS2 repressor factor; minus strand). Cytogenetic location: 19q13.2.
Variant type: Microsatellite.
Coding change: c.501ATCTTC[1] on transcript NM_006494.4 (MANE Select); one copy of the 6-base unit ATCTTC starting at c.501; the reference has two copies in a row; one copy, 6 bases deleted.
Protein change: p.Ser170_Ser171del.
Molecular consequence: inframe deletion.
Genome position (GRCh38, 1-based): chr19:42,249,600-42,249,605, GAAGAT deleted on the plus strand (ATCTTC on the coding strand, the reverse complement: ERF is on the minus strand); deleting any 6 consecutive bases within chr19:42,249,600-42,249,616 gives the same sequence; the position shown is the placement nearest the transcript's 3' end. VCF-style (leftmost placement, unchanged base first): chr19-42249599-GGAAGAT-G. GRCh37 (hg19) VCF-style: chr19-42753751-GGAAGAT-G.
Other names: c.276ATCTTC[1], p.Ser95_Ser96del (NM_001301035.2, NM_001308402.2, NM_001312656.2).
Identifiers: ClinVar variation 2430469 (VCV002430469.1), dbSNP rs749503353, ClinGen allele CA9471384.

ClinVar aggregate classification (germline): Uncertain significance (1 of 4 stars; one submission).

Submission:

GeneDx
Classification: Uncertain significance. Last evaluated: 2022-08-22. Review status: criteria provided, single submitter. Criteria: GeneDx Variant Classification Process June 2021. Collection method: clinical testing. Allele origin: germline. Affected: yes.
Comment: In-frame deletion of 2 amino acids in a non-repeat region; In silico analysis supports that this variant does not alter protein structure/function; Has not been previously published as pathogenic or benign to our knowledge